The following is an entry in ClinVar:

ClinVar aggregate classification (germline): Benign (1 of 4 stars; one submission).

Conditions:
Childhood apraxia of speech (SPCH1). Also called: DEVELOPMENTAL VERBAL DYSPRAXIA; Speech language disorder; FOXP2-Related Speech and Language Disorder; SPEECH AND LANGUAGE DISORDER WITH OROFACIAL DYSPRAXIA. Identifiers: Orphanet 209908, MedGen C0750927, MONDO:0011184, OMIM 602081.

Allele frequency attached by ClinVar (database versions not stated): ExAC 0.00003; gnomAD exomes 0.00003; TOPMed 0.00009; gnomAD 0.00013 and 0.00014.
gnomAD v4.1: 59 of 1,568,526 alleles (0.0038%); highest among the groups gnomAD compares: African/African-American, 0.031%; no homozygotes.

Submission:

Illumina Laboratory Services, Illumina
Classification: Benign for Childhood apraxia of speech. Last evaluated: 2018-01-12. Review status: criteria provided, single submitter. Criteria: ICSL Variant Classification Criteria 13 December 2019. Collection method: clinical testing. Allele origin: germline.
Comment: This variant was observed in the ICSL laboratory as part of a predisposition screen in an ostensibly healthy population. It had not been previously curated by ICSL or reported in the Human Gene Mutation Database (HGMD: prior to June 1st, 2018), and was therefore a candidate for classification through an automated scoring system. Utilizing variant allele frequency, disease prevalence and penetrance estimates, and inheritance mode, an automated score was calculated to assess if this variant is too frequent to cause the disease. Based on the score and internal cut-off values, a variant classified as benign is not then subjected to further curation. The score for this variant resulted in a classification of benign for this disease.

NM_014491.4(FOXP2):c.1770-12T>A

Gene: FOXP2 (forkhead box P2; plus strand). Cytogenetic location: 7q31.1.
Variant type: single nucleotide variant.
Coding change: c.1770-12T>A on transcript NM_014491.4 (MANE Select); 12 bases into the intron before coding-DNA position 1770, T replaced by A.
Molecular consequence: intron variant.
Genome position (GRCh38, 1-based): chr7:114,663,438, T>A. VCF-style: chr7-114663438-T-A. GRCh37 (hg19) VCF-style: chr7-114303493-T-A.
Other names: c.1845-12T>A (NM_148898.4); c.1821-12T>A (NM_148900.4); c.1767-12T>A (NM_001172766.3).
Identifiers: ClinVar variation 358610 (VCV000358610.5), dbSNP rs771960652, ClinGen allele CA4446205.